The following is an entry in ClinVar:

NM_015419.4(MXRA5):c.7668G>A (p.Ala2556=)

Gene: MXRA5 (matrix remodeling associated 5; minus strand). Cytogenetic location: Xp22.33.
Variant type: single nucleotide variant.
Coding change: c.7668G>A on transcript NM_015419.4 (MANE Select); coding-DNA position 7668, G replaced by A.
Protein change: p.Ala2556=; no amino-acid change (alanine 2556 retained).
Molecular consequence: synonymous variant.
Genome position (GRCh38, 1-based): chrX:3,310,535, C>T on the plus strand (G>A on the coding strand, the complement: MXRA5 is on the minus strand). VCF-style: chrX-3310535-C-T. GRCh37 (hg19) VCF-style: chrX-3228576-C-T.
Identifiers: ClinVar variation 2659876 (VCV002659876.24), dbSNP rs781490606, ClinGen allele CA10339394.

ClinVar aggregate classification (germline): Likely benign (1 of 4 stars; one submission).

Allele frequency attached by ClinVar (database versions not stated): gnomAD exomes 0.00002; gnomAD 0.00003; TOPMed 0.00004; ExAC 0.00009.
gnomAD v4.1: 28 of 1,189,272 alleles (0.0024%); highest among the groups gnomAD compares: East Asian, 0.0092%; no homozygotes.

Submission:

CeGaT Center for Human Genetics Tuebingen
Classification: Likely benign. Last evaluated: 2023-04-01. Review status: criteria provided, single submitter. Criteria: CeGaT Center For Human Genetics Tuebingen Variant Classification Criteria Version 2. Collection method: clinical testing. Allele origin: germline. Affected: yes. Observed: 1 variant allele.
Comment: MXRA5: BP4, BP7, BS2